The following is an entry in ClinVar:

NM_017654.4(SAMD9):c.733G>T (p.Gly245Trp)

Gene: SAMD9 (sterile alpha motif domain containing 9; minus strand). Cytogenetic location: 7q21.2.
Variant type: single nucleotide variant.
Coding change: c.733G>T on transcript NM_017654.4 (MANE Select); coding-DNA position 733, G replaced by T.
Protein change: p.Gly245Trp; replaces glycine 245 with tryptophan.
Molecular consequence: missense variant.
Genome position (GRCh38, 1-based): chr7:93,105,365, C>A on the plus strand (G>T on the coding strand, the complement: SAMD9 is on the minus strand). VCF-style: chr7-93105365-C-A. GRCh37 (hg19) VCF-style: chr7-92734678-C-A.
Other names: c.733G>T, p.Gly245Trp (NM_001193307.2); short protein forms G245W.
Identifiers: ClinVar variation 3437019 (VCV003437019.1).

ClinVar aggregate classification (germline): Uncertain significance (1 of 4 stars; one submission).

Conditions:
Inborn genetic diseases. Identifiers: MedGen C0950123, MeSH D030342.

Submission:

Ambry Genetics
Classification: Uncertain significance for Inborn genetic diseases. Last evaluated: 2024-11-22. Review status: criteria provided, single submitter. Criteria: Ambry Variant Classification Scheme 2023. Collection method: clinical testing. Allele origin: germline.
Comment: The p.G245W variant (also known as c.733G>T), located in coding exon 1 of the SAMD9 gene, results from a G to T substitution at nucleotide position 733. The glycine at codon 245 is replaced by tryptophan, an amino acid with highly dissimilar properties. This amino acid position is conserved. In addition, the in silico prediction for this alteration is inconclusive. Based on the available evidence, the clinical significance of this variant remains unclear.